The following is an entry in ClinVar:

NM_001206927.2(DNAH8):c.8259+6G>T

Gene: DNAH8 (dynein axonemal heavy chain 8; plus strand). Cytogenetic location: 6p21.2.
Variant type: single nucleotide variant.
Coding change: c.8259+6G>T on transcript NM_001206927.2 (MANE Select); 6 bases into the intron after coding-DNA position 8259, G replaced by T.
Molecular consequence: intron variant.
Genome position (GRCh38, 1-based): chr6:38,884,004, G>T. VCF-style: chr6-38884004-G-T. GRCh37 (hg19) VCF-style: chr6-38851780-G-T.
Other names: c.7608+6G>T (NM_001371.4).
Identifiers: ClinVar variation 4723886 (VCV004723886.1).

ClinVar aggregate classification (germline): Uncertain significance (1 of 4 stars; one submission).

Conditions:
Primary ciliary dyskinesia. Also called: Ciliary dyskinesia. Identifiers: Orphanet 244, MedGen C0008780, MONDO:0016575, HP:0012265.

Submission:

Labcorp Genetics (formerly Invitae), Labcorp
Classification: Uncertain significance for Primary ciliary dyskinesia. Last evaluated: 2025-07-23. Review status: criteria provided, single submitter. Criteria: Invitae Variant Classification Sherloc (09022015). Collection method: clinical testing. Allele origin: germline.
Comment: This sequence change falls in intron 56 of the DNAH8 gene. It does not directly change the encoded amino acid sequence of the DNAH8 protein. It affects a nucleotide within the consensus splice site. This variant is not present in population databases (gnomAD no frequency). This variant has not been reported in the literature in individuals affected with DNAH8-related conditions. Variants that disrupt the consensus splice site are a relatively common cause of aberrant splicing (PMID: 17576681, 9536098). Algorithms developed to predict the effect of sequence changes on RNA splicing suggest that this variant is not likely to affect RNA splicing. In summary, the available evidence is currently insufficient to determine the role of this variant in disease. Therefore, it has been classified as a Variant of Uncertain Significance.

Literature cited by the submitters: PubMed 17576681; PubMed 9536098.